The following is an entry in ClinVar:

ClinVar aggregate classification (germline): Pathogenic. Review status: criteria provided, multiple submitters, no conflicts (2 of 4 stars). 15 submissions from 15 submitters: Pathogenic (13). 2 of the submissions do not count toward it. Last evaluated 2025-12-29.

Conditions:
COL1A1-related disorder. Also called: COL1A1- related disease; COL1A1-related condition.
Osteogenesis imperfecta with normal sclerae, dominant form (OI4). Also called: OSTEOGENESIS IMPERFECTA WITH NORMAL SCLERAE; Osteogenesis imperfecta type 4; Common Variable Osteogenesis Imperfecta with Normal Sclerae; OSTEOGENESIS IMPERFECTA, TYPE IV, WITH DENTINOGENESIS IMPERFECTA; Osteogenesis Imperfecta Type IV. Identifiers: Orphanet 216820, Orphanet 666, MedGen C0268363, MONDO:0008148, OMIM 166220.
Postmenopausal osteoporosis. Also called: OSTEOPOROSIS, INVOLUTIONAL; BONE MINERAL DENSITY QUANTITATIVE TRAIT LOCUS. Identifiers: MedGen C0029458, MONDO:0008159.
Osteogenesis imperfecta, perinatal lethal (OI2). Also called: OI, TYPE II; OSTEOGENESIS IMPERFECTA CONGENITA; VROLIK TYPE OF OSTEOGENESIS IMPERFECTA; OSTEOGENESIS IMPERFECTA, TYPE II; Osteogenesis imperfecta, dominant perinatal lethal; Osteogenesis imperfecta type 2. Identifiers: Orphanet 216804, MedGen C0268358, MONDO:0008147, OMIM 166210.
Osteogenesis imperfecta type I (OI1). Also called: OI, TYPE I; OSTEOGENESIS IMPERFECTA TARDA; OSTEOGENESIS IMPERFECTA WITH BLUE SCLERAE; Osteogenesis imperfecta type 1; Classic Non-deforming Osteogenesis Imperfecta with Blue Sclerae; Lobstein disease. Identifiers: Orphanet 216796, Orphanet 666, MedGen C0023931, MONDO:0008146, OMIM 166200. Disease mechanism: loss of function.
Osteogenesis imperfecta type III (OI3). Also called: Progressively Deforming Osteogenesis Imperfecta; Osteogenesis imperfecta type 3; OI type 3; Osteogenesis imperfecta, progressively deforming with normal sclerae; OI type III. Identifiers: Orphanet 216812, Orphanet 666, MedGen C0268362, MONDO:0009804, OMIM 259420.
Infantile cortical hyperostosis. Also called: P1PK BLOOD GROUP SYSTEM, P(2) PHENOTYPE; Hyperostosis, Cortical, Congenital; Caffey Disease. Identifiers: Orphanet 1310, MedGen C0020497, MONDO:0007244, OMIM 114000.
Ehlers-Danlos syndrome, arthrochalasia type. Also called: ARTHROCHALASIS MULTIPLEX CONGENITA; EDS VII, MUTANT PROCOLLAGEN TYPE; EDS VIIA; Ehlers-Danlos syndrome, arthrochalasis type; Ehlers-Danlos syndrome, arthrochalasia type, 1. Identifiers: Orphanet 1899, Orphanet 99875, Orphanet 99876, MedGen C4551623, MONDO:0007525, OMIM 130060.
Cardiovascular phenotype. Identifiers: MedGen CN230736.
Osteogenesis imperfecta (OI). Identifiers: Orphanet 666, MedGen C0029434, MeSH D010013, MONDO:0019019.

Submissions (15):

Center for Genomic Medicine, Rigshospitalet, Copenhagen University Hospital
Classification: Pathogenic. Last evaluated: 2025-12-29. Review status: criteria provided, single submitter. Criteria: ACMG Guidelines, 2015. Collection method: clinical testing. Allele origin: germline.

Labcorp Genetics (formerly Invitae), Labcorp
Classification: Pathogenic for Osteogenesis imperfecta type I. Last evaluated: 2025-11-16. Review status: criteria provided, single submitter. Criteria: Invitae Variant Classification Sherloc (09022015). Collection method: clinical testing. Allele origin: germline.
Comment: This sequence change affects a donor splice site in intron 26 of the COL1A1 gene. It is expected to disrupt RNA splicing. Variants that disrupt the donor or acceptor splice site typically lead to a loss of protein function (PMID: 16199547), and loss-of-function variants in COL1A1 are known to be pathogenic (PMID: 7942841, 9295084, 9443882). This variant is not present in population databases (gnomAD no frequency). Disruption of this splice site has been observed in individuals with osteogenesis imperfecta (PMID: 8408653, 9067755, 10931857, 15931785, 17078022). This variant is also known as IVS26+1G>A. ClinVar contains an entry for this variant (Variation ID: 425580). Algorithms developed to predict the effect of sequence changes on RNA splicing suggest that this variant may disrupt the consensus splice site. For these reasons, this variant has been classified as Pathogenic.

Clinical Biomedical Laboratory, Shriners Hospital For Children - Canada
Classification: Pathogenic for Osteogenesis imperfecta type I. Last evaluated: 2025-05-23. Review status: criteria provided, single submitter. Criteria: ACMG Guidelines, 2015. Collection method: clinical testing. Allele origin: germline. Affected: yes.
Comment: This variant affects a canonical splice donor site in intron 26 of COL1A1, a gene for which loss-of-function is a known mechanism of disease. Functional studies provide supporting evidence of the variant having a damaging effect (PMID: 8408653). In the Genome Aggregation Database (gnomAD v2.1.1) this variant is not present. We have observed this variant in the Shriners Hospital for Children variant database in seven individuals with a diagnosis of osteogenesis imperfecta.

MVZ Martinsried, Medicover Genetics
Classification: Pathogenic for Osteogenesis imperfecta type I. Last evaluated: 2024-10-28. Review status: criteria provided, single submitter. Criteria: ACGS Guidelines, 2020. Collection method: clinical testing. Allele origin: unknown. Affected: yes. Observed: 1 heterozygote.

Ambry Genetics
Classification: Pathogenic for Cardiovascular phenotype. Last evaluated: 2024-07-02. Review status: criteria provided, single submitter. Criteria: Ambry Variant Classification Scheme 2023. Collection method: clinical testing. Allele origin: germline.
Comment: The c.1821+1G>A intronic pathogenic mutation results from a G to A substitution one nucleotide after coding exon 26 of the COL1A1 gene. Alterations that disrupt the canonical splice site are expected to result in aberrant splicing. In silico splice site analysis predicts that this alteration will weaken the native splice donor site and will result in the creation or strengthening of a novel splice donor site. The resulting transcript is predicted to be in-frame and is not expected to trigger nonsense-mediated mRNAdecay; however, direct evidence is unavailable. The exact functional effect of the altered amino acid sequence is unknown. This mutation has been reported in multiple subjects with osteogenesis imperfecta (OI) including a de novo occurrence (K&ouml;rkk&ouml; J et al. Hum Mutat, 1997;9:148-56; Stover ML et al. J Clin Invest, 1993 Oct;92:1994-2002; Higuchi Y et al. Mol Genet Genomic Med, 2021 Jun;9:e1675; Holtz AP et al. Bone, 2023 Apr;169:116683; Mei Y et al. Front Endocrinol (Lausanne), 2022 Jul;13:935905). This variant has also been reported to segregate with disease in two families with OI (Zhytnik L et al. BMC Med Genomics, 2020 Nov;13:177; Doolan E et al. BMJ Open Ophthalmol, 2021 Apr;6:e000684). This variant is considered to be rare based on population cohorts in the Genome Aggregation Database (gnomAD). This nucleotide position is highly conserved in available vertebrate species. Based on the supporting evidence, this variant is interpreted as a disease-causing mutation.

Revvity Omics, Revvity
Classification: Pathogenic. Last evaluated: 2023-12-27. Review status: criteria provided, single submitter. Criteria: ACMG Guidelines, 2015. Collection method: clinical testing. Allele origin: germline.

Clinical Genetics Laboratory, Skane University Hospital Lund
Classification: Pathogenic. Last evaluated: 2023-12-06. Review status: criteria provided, single submitter. Criteria: ACMG Guidelines, 2015. Collection method: clinical testing. Allele origin: germline. Affected: yes.

PreventionGenetics, part of Exact Sciences
Classification: Pathogenic for COL1A1-related condition. Last evaluated: 2023-07-13. Review status: criteria provided, single submitter. Criteria: ACMG Guidelines, 2015. Collection method: clinical testing. Allele origin: germline.
Comment: The COL1A1 c.1821+1G>A variant is predicted to disrupt the GT donor site and interfere with normal splicing. This variant was reported to be causative for osteogenesis imperfecta (Stover et al. 1993. PubMed ID: 8408653; Zhytnik et al. 2020. PubMed ID: 32166892; Higuchi et al. 2021. PubMed ID: 33939306). mRNA studies showed that this variant results in intron 26 retention leading to a frameshift and premature protein termination (Stover et al. 1993. PubMed ID: 8408653). This variant has not been reported in a large population database, indicating this variant is rare. Variants that disrupt the consensus splice donor site in COL1A1 are expected to be pathogenic. This variant is interpreted as pathogenic.

GeneDx
Classification: Pathogenic. Last evaluated: 2022-07-19. Review status: criteria provided, single submitter. Criteria: GeneDx Variant Classification Process June 2021. Collection method: clinical testing. Allele origin: germline. Affected: yes.
Comment: Canonical splice site variant in a gene for which loss-of-function is a known mechanism of disease (Stover et al., 1993); Not observed in large population cohorts (gnomAD); This variant is associated with the following publications: (PMID: 25944380, 8408653, 25525159, 10931857, 9295084, 7942841, 9443882, 30614853, 9067755, 28810924, 33470886, 33939306, 17078022, 15931785)

Dasa
Classification: Pathogenic for Osteogenesis imperfecta. Last evaluated: 2022-04-10. Review status: criteria provided, single submitter. Criteria: ACMG Guidelines, 2015. Collection method: clinical testing. Allele origin: germline. Affected: yes. Observed: 1 variant allele.
Comment: The c.1821+1G>A variant is located in a canonical splice-site, and it is not predicted the protein reading frame alteration, however, occur in a critical region and the variant disrupts <10% of protein - PVS1_moderate. Well-established in vitro or in vivo functional studies supportive of a damaging effect on the gene or gene product (PMID: 8408653) - PS3_moderate. This sequence change has been observed in affected individual(s) and ClinVar contains an entry for this variant (Clinvar ID:425580; PMID: 33939306; PMID: 33928192; PMID: 28810924; PMID: 32166892) - PS4. This variant is not present in population databases (rs66555264- gnomAD; ABraOM no frequency) - PM2. The variant co-segregated with disease in multiple affected family members (PMID: 33928192; 33228694) - PP1_strong. In summary, the currently available evidence indicates that the variant is pathogenic

Mendelics
Classification: Pathogenic for Osteogenesis imperfecta type I. Last evaluated: 2019-05-28. Review status: criteria provided, single submitter. Criteria: Mendelics Assertion Criteria 2017. Collection method: clinical testing. Allele origin: unknown.

Fulgent Genetics
Classification: Pathogenic for Infantile cortical hyperostosis; Ehlers-Danlos syndrome, arthrochalasia type; Osteogenesis imperfecta type I; Osteogenesis imperfecta, perinatal lethal; Osteogenesis imperfecta with normal sclerae, dominant form; Osteoporosis; Osteogenesis imperfecta type III. Last evaluated: 2018-10-31. Review status: criteria provided, single submitter. Criteria: ACMG Guidelines, 2015. Collection method: clinical testing. Allele origin: unknown.

Athena Diagnostics
Classification: Pathogenic. Last evaluated: 2018-04-23. Review status: criteria provided, single submitter. Criteria: Athena Diagnostics Criteria. Collection method: clinical testing. Allele origin: germline.

OMIM
Classification: Pathogenic for OSTEOGENESIS IMPERFECTA, TYPE I. Last evaluated: 1993-10-01. Review status: no assertion criteria provided. Collection method: literature only. Allele origin: germline. Not counted in ClinVar's aggregate classification.

Department of Medical Sciences, Uppsala University
Classification: Pathogenic for OI type I. Review status: no assertion criteria provided. Collection method: clinical testing. Allele origin: unknown. Affected: yes. Observed: 2 variant alleles. Not counted in ClinVar's aggregate classification.

Literature cited by the submitters: PubMed 32166892 (cited by Center for Genomic Medicine, Rigshospitalet, Copenhagen University Hospital and Dasa); PubMed 37270749 (cited by Center for Genomic Medicine, Rigshospitalet, Copenhagen University Hospital); PubMed 16199547 (cited by Labcorp Genetics (formerly Invitae), Labcorp); PubMed 7942841 (cited by Labcorp Genetics (formerly Invitae), Labcorp); PubMed 9295084 (cited by Labcorp Genetics (formerly Invitae), Labcorp); PubMed 9443882 (cited by Labcorp Genetics (formerly Invitae), Labcorp); PubMed 8408653 (cited by 6 submitters); PubMed 9067755 (cited by 3 submitters); PubMed 10931857 (cited by Labcorp Genetics (formerly Invitae), Labcorp and Athena Diagnostics); PubMed 15931785 (cited by Labcorp Genetics (formerly Invitae), Labcorp); PubMed 17078022 (cited by Labcorp Genetics (formerly Invitae), Labcorp and Athena Diagnostics); PubMed 33228694 (cited by Ambry Genetics and Dasa); PubMed 33470886 (cited by Ambry Genetics); PubMed 33928192 (cited by Ambry Genetics and Dasa); PubMed 33939306 (cited by Ambry Genetics and Dasa); PubMed 35909573 (cited by Ambry Genetics); PubMed 36709916 (cited by Ambry Genetics); PubMed 28810924 (cited by Dasa); PubMed 2542316 (cited by OMIM); PubMed 25944380 (cited by Department of Medical Sciences, Uppsala University).

NM_000088.4(COL1A1):c.1821+1G>A

Gene: COL1A1 (collagen type I alpha 1 chain; minus strand). Cytogenetic location: 17q21.33.
Variant type: single nucleotide variant.
Coding change: c.1821+1G>A on transcript NM_000088.4 (MANE Select); the canonical splice donor site of the intron after coding-DNA position 1821, G replaced by A.
Molecular consequence: splice donor variant.
Genome position (GRCh38, 1-based): chr17:50,192,993, C>T on the plus strand (G>A on the coding strand, the complement: COL1A1 is on the minus strand). VCF-style: chr17-50192993-C-T. GRCh37 (hg19) VCF-style: chr17-48270354-C-T.
Other names: IVS26DS, G-A, +1; c.1821+1G>A (LRG_1t1).
Identifiers: ClinVar variation 425580 (VCV000425580.27), dbSNP rs66555264, ClinGen allele CA291544536.